The following is an entry in ClinVar:

ClinVar aggregate classification (germline): Uncertain significance. Review status: criteria provided, multiple submitters, no conflicts (2 of 4 stars). 2 submissions from 2 submitters: Uncertain significance (2). Last evaluated 2022-10-25.

Conditions:
Polyglandular autoimmune syndrome, type 1 (APS1). Also called: AUTOIMMUNE POLYENDOCRINE SYNDROME, TYPE I, WITH OR WITHOUT REVERSIBLE METAPHYSEAL DYSPLASIA; PGA I; APS I; HYPOADRENOCORTICISM WITH HYPOPARATHYROIDISM AND SUPERFICIAL MONILIASIS; Autoimmune polyendocrine syndrome type 1; Autoimmune polyendocrinopathy syndrome, type I. Identifiers: Orphanet 3453, MedGen C0085859, MONDO:0009411, OMIM 240300.

Allele frequency attached by ClinVar (database versions not stated): gnomAD 0.00001; gnomAD exomes 0.00001; TOPMed 0.00001; ExAC 0.00003.
gnomAD v4.1: 17 of 1,596,530 alleles (0.0011%); highest among the groups gnomAD compares: Admixed American, 0.005%; no homozygotes.

Submissions (2):

Labcorp Genetics (formerly Invitae), Labcorp
Classification: Uncertain significance for Polyglandular autoimmune syndrome, type 1. Last evaluated: 2022-10-25. Review status: criteria provided, single submitter. Criteria: Invitae Variant Classification Sherloc (09022015). Collection method: clinical testing. Allele origin: germline.
Comment: This sequence change replaces arginine, which is basic and polar, with tryptophan, which is neutral and slightly polar, at codon 465 of the AIRE protein (p.Arg465Trp). This variant is present in population databases (rs370070250, gnomAD 0.01%). This variant has not been reported in the literature in individuals affected with AIRE-related conditions. Advanced modeling of protein sequence and biophysical properties (such as structural, functional, and spatial information, amino acid conservation, physicochemical variation, residue mobility, and thermodynamic stability) performed at Invitae indicates that this missense variant is not expected to disrupt AIRE protein function. In summary, the available evidence is currently insufficient to determine the role of this variant in disease. Therefore, it has been classified as a Variant of Uncertain Significance.

GeneDx
Classification: Uncertain significance. Last evaluated: 2022-06-28. Review status: criteria provided, single submitter. Criteria: GeneDx Variant Classification Process June 2021. Collection method: clinical testing. Allele origin: germline. Affected: yes.
Comment: In silico analysis supports that this missense variant has a deleterious effect on protein structure/function; Has not been previously published as pathogenic or benign to our knowledge

NM_000383.4(AIRE):c.1393C>T (p.Arg465Trp)

Gene: AIRE (autoimmune regulator; plus strand). Cytogenetic location: 21q22.3.
Variant type: single nucleotide variant.
Coding change: c.1393C>T on transcript NM_000383.4 (MANE Select); coding-DNA position 1393, C replaced by T.
Protein change: p.Arg465Trp; replaces arginine 465 with tryptophan.
Molecular consequence: missense variant.
Genome position (GRCh38, 1-based): chr21:44,293,903, C>T. VCF-style: chr21-44293903-C-T. GRCh37 (hg19) VCF-style: chr21-45713786-C-T.
Other names: short protein forms R465W.
Identifiers: ClinVar variation 1809875 (VCV001809875.3), dbSNP rs370070250, ClinGen allele CA10052086.
Genomic context (GRCh38, chr21:44,293,903, plus strand): 5'-CGGTGTACTCACTGCGCCGCTGCCTTCCACTGGCGCTGCCACTTCCCAGCCGGCACCTCC[C>T]GGCCCGGGTGAGTGAGCGTGGTCGGCGGGGAGGCCTGAACCCACACCCACACCCTACACC-3'
Protein context (NP_000374.1, residues 455-475): WRCHFPAGTS[Arg465Trp]PGTGLRCRSC